The following is an entry in ClinVar:

ClinVar aggregate classification (germline): Uncertain significance. Review status: criteria provided, multiple submitters, no conflicts (2 of 4 stars). 2 submissions from 2 submitters: Uncertain significance (2). Last evaluated 2024-03-04.

Conditions:
Inborn genetic diseases. Identifiers: MedGen C0950123, MeSH D030342.
Saldino-Mainzer syndrome (SRTD9). Also called: CONORENAL SYNDROME; Renal dysplasia, retinal pigmentary dystrophy, cerebellar ataxia and skeletal dysplasia; short-rib thoracic dysplasia 9 with or without polydactyly; SHORT-RIB THORACIC DYSPLASIA 9 WITHOUT POLYDACTYLY. Identifiers: Orphanet 140969, MedGen C1849437, MONDO:0009964, OMIM 266920.

Allele frequency attached by ClinVar (database versions not stated): TOPMed below 0.00001.
gnomAD v4.1: 1 of 1,614,226 alleles (0.000062%); highest among the groups gnomAD compares: East Asian, 0.0022%; no homozygotes.

Submissions (2):

Labcorp Genetics (formerly Invitae), Labcorp
Classification: Uncertain significance for Saldino-Mainzer syndrome. Last evaluated: 2024-03-04. Review status: criteria provided, single submitter. Criteria: Invitae Variant Classification Sherloc (09022015). Collection method: clinical testing. Allele origin: germline.
Comment: This sequence change replaces histidine, which is basic and polar, with arginine, which is basic and polar, at codon 154 of the IFT140 protein (p.His154Arg). This variant is not present in population databases (gnomAD no frequency). This variant has not been reported in the literature in individuals affected with IFT140-related conditions. Advanced modeling of protein sequence and biophysical properties (such as structural, functional, and spatial information, amino acid conservation, physicochemical variation, residue mobility, and thermodynamic stability) performed at Invitae indicates that this missense variant is not expected to disrupt IFT140 protein function with a negative predictive value of 80%. In summary, the available evidence is currently insufficient to determine the role of this variant in disease. Therefore, it has been classified as a Variant of Uncertain Significance.

Ambry Genetics
Classification: Uncertain significance for Inborn genetic diseases. Last evaluated: 2023-10-05. Review status: criteria provided, single submitter. Criteria: Ambry Variant Classification Scheme 2023. Collection method: clinical testing. Allele origin: germline.

NM_014714.4(IFT140):c.461A>G (p.His154Arg)

Genes: IFT140 (intraflagellar transport 140; minus strand), LOC105371046 (uncharacterized LOC105371046; plus strand). Cytogenetic location: 16p13.3.
Variant type: single nucleotide variant.
Coding change: c.461A>G on transcript NM_014714.4 (MANE Select); coding-DNA position 461, A replaced by G.
Protein change: p.His154Arg; replaces histidine 154 with arginine.
Molecular consequence: missense variant.
Genome position (GRCh38, 1-based): chr16:1,592,497, T>C on the plus strand (A>G on the coding strand, the complement: IFT140 is on the minus strand). VCF-style: chr16-1592497-T-C. GRCh37 (hg19) VCF-style: chr16-1642498-T-C.
Other names: short protein forms H154R.
Identifiers: ClinVar variation 3108376 (VCV003108376.3), dbSNP rs779455831, ClinGen allele CA394220667.
Genomic context (GRCh38, chr16:1,592,497, plus strand): 5'-CACAGGTCACAGGGCAAGCCCCACACTTACTCGCCAGGAGGGGGGAGCCGGAAGATGCAG[T>C]GCGTGAGGTGTTTCCCATACTCGTGTTTCAGCAGAGGCGTCCCTTGCACTCGGCCCCTTT-3'
Protein context (NP_055529.2, residues 144-164): LKHEYGKHLT[His154Arg]CIFRLPPPGE